The following is an entry in ClinVar:

NM_001165963.4(SCN1A):c.4948A>C (p.Ile1650Leu)

Genes: SCN1A (sodium voltage-gated channel alpha subunit 1; minus strand), LOC102724058 (uncharacterized LOC102724058; plus strand). Cytogenetic location: 2q24.3.
Variant type: single nucleotide variant.
Coding change: c.4948A>C on transcript NM_001165963.4 (MANE Select); coding-DNA position 4948, A replaced by C.
Protein change: p.Ile1650Leu; replaces isoleucine 1650 with leucine.
Molecular consequence: missense variant. On other transcripts: non-coding transcript variant (1).
Genome position (GRCh38, 1-based): chr2:165,992,327, T>G on the plus strand (A>C on the coding strand, the complement: SCN1A is on the minus strand). VCF-style: chr2-165992327-T-G. GRCh37 (hg19) VCF-style: chr2-166848837-T-G.
Other names: c.4864A>C, p.Ile1622Leu (NM_001165964.3, NM_001353957.2, NM_001353958.2); c.4948A>C, p.Ile1650Leu (NM_001202435.3, NM_001353948.2); c.4915A>C, p.Ile1639Leu (NM_001353949.2, NM_001353950.2, NM_001353951.2 and 2 more transcripts); c.4912A>C, p.Ile1638Leu (NM_001353954.2, NM_001353955.2); c.4861A>C, p.Ile1621Leu (NM_001353960.2); c.2506A>C, p.Ile836Leu (NM_001353961.2); short protein forms I1621L, I1622L, I1638L, I1639L, I1650L, I836L.
Identifiers: ClinVar variation 4975290 (VCV004975290.1).
Genomic context (GRCh38, chr2:165,992,327, plus strand): 5'-ACGCAGGAAGGGACATCATCAAAGCAAAGAGCAGCGTGCGGATCCCCTTTGCTCCTTTGA[T>G]CAGACGTAGGATTCGGCCAATCCTAGCAAGACGGATCACTCGGAACAGGGTAGGGGACAC-3'
Protein context (NP_001159435.1, residues 1640-1660): LARIGRILRL[Ile1650Leu]KGAKGIRTLL

ClinVar aggregate classification (germline): Uncertain significance (1 of 4 stars; one submission).

Submission:

GeneDx
Classification: Uncertain significance. Last evaluated: 2026-02-07. Review status: criteria provided, single submitter. Criteria: GeneDx Variant Classification Process June 2021. Collection method: clinical testing. Allele origin: germline.
Comment: Not observed at significant frequency in large population cohorts (gnomAD); In silico analysis suggests that this missense variant does not alter protein structure/function; Has not been previously published as pathogenic or benign to our knowledge